The following is an entry in ClinVar:

NM_007199.3(IRAK3):c.1653C>T (p.Ser551=)

Gene: IRAK3 (interleukin 1 receptor associated kinase 3; plus strand). Cytogenetic location: 12q14.3.
Variant type: single nucleotide variant.
Coding change: c.1653C>T on transcript NM_007199.3 (MANE Select); coding-DNA position 1653, C replaced by T.
Protein change: p.Ser551=; no amino-acid change (serine 551 retained).
Molecular consequence: synonymous variant.
Genome position (GRCh38, 1-based): chr12:66,248,033, C>T. VCF-style: chr12-66248033-C-T. GRCh37 (hg19) VCF-style: chr12-66641813-C-T.
Other names: c.1470C>T, p.Ser490= (NM_001142523.2).
Identifiers: ClinVar variation 3039172 (VCV003039172.2), dbSNP rs11465988, ClinGen allele CA6672998.

ClinVar aggregate classification (germline): Benign (0 of 4 stars; one submission).

Conditions:
IRAK3-related disorder. Also called: IRAK3-related condition.

Allele frequency attached by ClinVar (database versions not stated): gnomAD exomes 0.00491; ExAC 0.01226; gnomAD 0.03111; ESP Exome Variant Server 0.03291; TOPMed 0.03478; 1000 Genomes Project 0.03734; 1000 Genomes Project 30x 0.03810.
gnomAD v4.1: 12,163 of 1,588,270 alleles (0.77%); highest among the groups gnomAD compares: African/African-American, 9.8%; 410 homozygotes.

Submission:

PreventionGenetics, part of Exact Sciences
Classification: Benign for IRAK3-related condition. Last evaluated: 2019-06-20. Review status: no assertion criteria provided. Collection method: clinical testing. Allele origin: germline.
Comment: This variant is classified as benign based on ACMG/AMP sequence variant interpretation guidelines (Richards et al. 2015 PMID: 25741868, with internal and published modifications).